The following is an entry in ClinVar:

NM_001384140.1(PCDH15):c.1394T>G (p.Leu465Ter)

Gene: PCDH15 (protocadherin related 15; minus strand). Cytogenetic location: 10q21.1.
Variant type: single nucleotide variant.
Coding change: c.1394T>G on transcript NM_001384140.1 (MANE Select); coding-DNA position 1394, T replaced by G.
Protein change: p.Leu465Ter; replaces leucine 465 with a stop codon.
Molecular consequence: nonsense.
Genome position (GRCh38, 1-based): chr10:54,185,180, A>C on the plus strand (T>G on the coding strand, the complement: PCDH15 is on the minus strand). VCF-style: chr10-54185180-A-C. GRCh37 (hg19) VCF-style: chr10-55944940-A-C.
Other names: c.1409T>G, p.Leu470Ter (NM_001142763.2, NM_001142771.2); c.1394T>G, p.Leu465Ter (NM_001142764.2, NM_001142765.2, NM_001142766.2 and 6 more transcripts); c.1283T>G, p.Leu428Ter (NM_001142767.2); c.1328T>G, p.Leu443Ter (NM_001142768.2, NM_001142773.2, NM_001354404.2); c.1430T>G, p.Leu477Ter (NM_001142769.4); c.1415T>G, p.Leu472Ter (NM_001354411.2); short protein forms L428*, L443*, L465*, L470*, L472*, L477*.
Identifiers: ClinVar variation 4855784 (VCV004855784.1).

ClinVar aggregate classification (germline): Likely pathogenic (1 of 4 stars; one submission).

Conditions:
PCDH15-related disorder. Also called: PCDH15-related condition; PCDH15-related disorders.

gnomAD v4.1: 15 of 1,613,708 alleles (0.00093%); highest among the groups gnomAD compares: Non-Finnish European, 0.0013%; no homozygotes.

Submission:

3billion
Classification: Likely pathogenic for PCDH15-related disorder. Last evaluated: 2025-12-15. Review status: criteria provided, single submitter. Criteria: ACMG Guidelines, 2015. Collection method: clinical testing. Allele origin: germline. Affected: yes.
Comment: The variant is observed at an extremely low frequency in the gnomAD v4.1.0 dataset (total allele frequency: 0.001%). Predicted Consequence/Location: Stop-gained (nonsense): predicted to result in a loss or disruption of normal protein function through nonsense-mediated decay (NMD) or protein truncation. Multiple pathogenic variants are reported downstream of the variant. Therefore, this variant is classified as Likely pathogenic according to the recommendation of ACMG/AMP guideline.